The following is an entry in ClinVar:

NM_003801.4(GPAA1):c.909C>T (p.His303=)

Gene: GPAA1 (glycosylphosphatidylinositol anchor attachment 1; plus strand). Cytogenetic location: 8q24.3.
Variant type: single nucleotide variant.
Coding change: c.909C>T on transcript NM_003801.4 (MANE Select); coding-DNA position 909, C replaced by T.
Protein change: p.His303=; no amino-acid change (histidine 303 retained).
Molecular consequence: synonymous variant.
Genome position (GRCh38, 1-based): chr8:144,084,508, C>T. VCF-style: chr8-144084508-C-T. GRCh37 (hg19) VCF-style: chr8-145139411-C-T.
Other names: c.909C>T (NM_003801.3).
Identifiers: ClinVar variation 1633598 (VCV001633598.33), dbSNP rs374962738, ClinGen allele CA4932970.

ClinVar aggregate classification (germline): Likely benign. Review status: criteria provided, multiple submitters, no conflicts (2 of 4 stars). 3 submissions from 3 submitters: Likely benign (3). Last evaluated 2026-06-14.

Conditions:
GPAA1-related disorder. Also called: GPAA1-related condition.

Allele frequency attached by ClinVar (database versions not stated): 1000 Genomes Project 30x 0.00031; 1000 Genomes Project 0.00040; TOPMed 0.00046; gnomAD 0.00048 and 0.00050; ESP Exome Variant Server 0.00057; gnomAD exomes 0.00005 and 0.00014; ExAC 0.00018.
gnomAD v4.1: 152 of 1,613,558 alleles (0.0094%); highest among the groups gnomAD compares: African/African-American, 0.16%; 1 homozygote.

Submissions (3):

PreventionGenetics, part of Exact Sciences
Classification: Likely benign for GPAA1-related condition. Last evaluated: 2026-06-14. Review status: criteria provided, single submitter. Criteria: ACMG Guidelines, 2015. Collection method: clinical testing. Allele origin: germline.
Comment: This variant is classified as likely benign based on ACMG/AMP sequence variant interpretation guidelines (Richards et al. 2015 PMID: 25741868, with internal and published modifications).

Labcorp Genetics (formerly Invitae), Labcorp
Classification: Likely benign. Last evaluated: 2026-01-28. Review status: criteria provided, single submitter. Criteria: Invitae Variant Classification Sherloc (09022015). Collection method: clinical testing. Allele origin: germline.

CeGaT Center for Human Genetics Tuebingen
Classification: Likely benign. Last evaluated: 2022-09-01. Review status: criteria provided, single submitter. Criteria: CeGaT Center For Human Genetics Tuebingen Variant Classification Criteria Version 2. Collection method: clinical testing. Allele origin: germline. Affected: yes. Observed: 1 variant allele.
Comment: GPAA1: BP4, BP7